The following is an entry in ClinVar:

NM_001042492.3(NF1):c.2739A>G (p.Ile913Met)

Gene: NF1 (neurofibromin 1; plus strand). Cytogenetic location: 17q11.2.
Variant type: single nucleotide variant.
Coding change: c.2739A>G on transcript NM_001042492.3 (MANE Select); coding-DNA position 2739, A replaced by G.
Protein change: p.Ile913Met; replaces isoleucine 913 with methionine.
Molecular consequence: missense variant.
Genome position (GRCh38, 1-based): chr17:31,229,354, A>G. VCF-style: chr17-31229354-A-G. GRCh37 (hg19) VCF-style: chr17-29556372-A-G.
Other names: c.2739A>G, p.Ile913Met (NM_000267.4); short protein forms I913M.
Identifiers: ClinVar variation 1354730 (VCV001354730.8), dbSNP rs2151429561, ClinGen allele CA398985272.

ClinVar aggregate classification (germline): Uncertain significance (1 of 4 stars; one submission).

Conditions:
Neurofibromatosis, type 1 (NF1). Also called: NEUROFIBROMATOSIS, TYPE I, SOMATIC; VON RECKLINGHAUSEN DISEASE; Neurofibromatosis, type I; Peripheral type neurofibromatosis. Identifiers: Orphanet 636, MedGen C0027831, MONDO:0018975, OMIM 162200. Disease mechanism: loss of function.

Submission:

Labcorp Genetics (formerly Invitae), Labcorp
Classification: Uncertain significance for Neurofibromatosis, type 1. Last evaluated: 2021-03-02. Review status: criteria provided, single submitter. Criteria: Invitae Variant Classification Sherloc (09022015). Collection method: clinical testing. Allele origin: germline.
Comment: This sequence change replaces isoleucine with methionine at codon 913 of the NF1 protein (p.Ile913Met). The isoleucine residue is moderately conserved and there is a small physicochemical difference between isoleucine and methionine. This variant is not present in population databases (ExAC no frequency). This variant has not been reported in the literature in individuals with NF1-related conditions. Algorithms developed to predict the effect of missense changes on protein structure and function are either unavailable or do not agree on the potential impact of this missense change (SIFT: "Deleterious"; PolyPhen-2: "Possibly Damaging"; Align-GVGD: "Class C0"). In summary, the available evidence is currently insufficient to determine the role of this variant in disease. Therefore, it has been classified as a Variant of Uncertain Significance.